The following is an entry in ClinVar:

ClinVar aggregate classification (germline): Uncertain significance (1 of 4 stars; one submission).

gnomAD v4.1: 1 of 1,612,690 alleles (0.000062%); highest among the groups gnomAD compares: East Asian, 0.0022%; no homozygotes.

Submission:

Labcorp Genetics (formerly Invitae), Labcorp
Classification: Uncertain significance. Last evaluated: 2025-12-22. Review status: criteria provided, single submitter. Criteria: Invitae Variant Classification Sherloc (09022015). Collection method: clinical testing. Allele origin: germline.
Comment: This sequence change replaces proline, which is neutral and non-polar, with serine, which is neutral and polar, at codon 696 of the POLE protein (p.Pro696Ser). This variant is present in population databases (rs753660412, gnomAD 0.0009%). This variant has not been reported in the literature in individuals affected with POLE-related conditions. Invitae Evidence Modeling of protein sequence and biophysical properties (such as structural, functional, and spatial information, amino acid conservation, physicochemical variation, residue mobility, and thermodynamic stability) indicates that this missense variant is not expected to disrupt POLE protein function with a negative predictive value of 80%. In summary, the available evidence is currently insufficient to determine the role of this variant in disease. Therefore, it has been classified as a Variant of Uncertain Significance.

NM_006231.4(POLE):c.2086C>T (p.Pro696Ser)

Gene: POLE (DNA polymerase epsilon, catalytic subunit; minus strand). Cytogenetic location: 12q24.33.
Variant type: single nucleotide variant.
Coding change: c.2086C>T on transcript NM_006231.4 (MANE Select); coding-DNA position 2086, C replaced by T.
Protein change: p.Pro696Ser; replaces proline 696 with serine.
Molecular consequence: missense variant.
Genome position (GRCh38, 1-based): chr12:132,668,443, G>A on the plus strand (C>T on the coding strand, the complement: POLE is on the minus strand). VCF-style: chr12-132668443-G-A. GRCh37 (hg19) VCF-style: chr12-133245029-G-A.
Other names: short protein forms P696S.
Identifiers: ClinVar variation 4742102 (VCV004742102.1).
Genomic context (GRCh38, chr12:132,668,443, plus strand): 5'-CCTGTTCCTCGCGGGACAGTTCATGAAAGGCCCGAGCTGGCCCCTCTGGGAACAAGGGGG[G>A]GAACTTCTCTGACTCCAGCTGGTGCTGGATCCGATGGTATTCGCTGCGACTGGCTGGCAC-3'
Protein context (NP_006222.2, residues 686-706): IQHQLESEKF[Pro696Ser]PLFPEGPARA